The following is an entry in ClinVar:

ClinVar aggregate classification (germline): Uncertain significance (1 of 4 stars; one submission).

gnomAD v4.1: 1 of 1,613,276 alleles (0.000062%); highest among the groups gnomAD compares: East Asian, 0.0022%; no homozygotes.

Submission:

Labcorp Genetics (formerly Invitae), Labcorp
Classification: Uncertain significance. Last evaluated: 2024-07-08. Review status: criteria provided, single submitter. Criteria: Invitae Variant Classification Sherloc (09022015). Collection method: clinical testing. Allele origin: germline.
Comment: This sequence change affects codon 1977 of the MYO7A mRNA. It is a 'silent' change, meaning that it does not change the encoded amino acid sequence of the MYO7A protein. This variant is not present in population databases (gnomAD no frequency). This variant has not been reported in the literature in individuals affected with MYO7A-related conditions. Algorithms developed to predict the effect of sequence changes on RNA splicing suggest that this variant may disrupt the consensus splice site. In summary, the available evidence is currently insufficient to determine the role of this variant in disease. Therefore, it has been classified as a Variant of Uncertain Significance.

NM_000260.4(MYO7A):c.5929C>A (p.Arg1977=)

Gene: MYO7A (myosin VIIA; plus strand). Cytogenetic location: 11q13.5.
Variant type: single nucleotide variant.
Coding change: c.5929C>A on transcript NM_000260.4 (MANE Select); coding-DNA position 5929, C replaced by A.
Protein change: p.Arg1977=; no amino-acid change (arginine 1977 retained).
Molecular consequence: synonymous variant.
Genome position (GRCh38, 1-based): chr11:77,208,502, C>A. VCF-style: chr11-77208502-C-A. GRCh37 (hg19) VCF-style: chr11-76919547-C-A.
Other names: c.5815C>A, p.Arg1939= (NM_001127180.2); c.5782C>A, p.Arg1928= (NM_001369365.1).
Identifiers: ClinVar variation 3624962 (VCV003624962.2).